The following is an entry in ClinVar:

ClinVar aggregate classification (germline): Likely benign (1 of 4 stars; one submission).

Allele frequency attached by ClinVar (database versions not stated): gnomAD 0.00002; TOPMed 0.00002; ExAC 0.00007.
gnomAD v4.1: 32 of 1,614,074 alleles (0.002%); highest among the groups gnomAD compares: East Asian, 0.033%; no homozygotes.

Submission:

CeGaT Center for Human Genetics Tuebingen
Classification: Likely benign. Last evaluated: 2022-11-01. Review status: criteria provided, single submitter. Criteria: CeGaT Center For Human Genetics Tuebingen Variant Classification Criteria Version 2. Collection method: clinical testing. Allele origin: germline. Affected: yes. Observed: 1 variant allele.
Comment: CDHR2: BP4, BP7

NM_017675.6(CDHR2):c.249C>T (p.Ser83=)

Gene: CDHR2 (cadherin related family member 2; plus strand). Cytogenetic location: 5q35.2.
Variant type: single nucleotide variant.
Coding change: c.249C>T on transcript NM_017675.6 (MANE Select); coding-DNA position 249, C replaced by T.
Protein change: p.Ser83=; no amino-acid change (serine 83 retained).
Molecular consequence: synonymous variant.
Genome position (GRCh38, 1-based): chr5:176,568,802, C>T. VCF-style: chr5-176568802-C-T. GRCh37 (hg19) VCF-style: chr5-175995803-C-T.
Other names: c.249C>T, p.Ser83= (NM_001171976.2).
Identifiers: ClinVar variation 2656086 (VCV002656086.24), dbSNP rs768142070, ClinGen allele CA3570006.